The following is an entry in ClinVar:

NM_170784.3(MKKS):c.69G>C (p.Arg23Ser)

Gene: MKKS (MKKS centrosomal shuttling protein; minus strand). Cytogenetic location: 20p12.2.
Variant type: single nucleotide variant.
Coding change: c.69G>C on transcript NM_170784.3 (MANE Select); coding-DNA position 69, G replaced by C.
Protein change: p.Arg23Ser; replaces arginine 23 with serine.
Molecular consequence: missense variant.
Genome position (GRCh38, 1-based): chr20:10,413,446, C>G on the plus strand (G>C on the coding strand, the complement: MKKS is on the minus strand). VCF-style: chr20-10413446-C-G. GRCh37 (hg19) VCF-style: chr20-10394094-C-G.
Other names: c.69G>C, p.Arg23Ser (NM_018848.3); c.69G>C (NM_018848.2); short protein forms R23S.
Identifiers: ClinVar variation 2146874 (VCV002146874.5), dbSNP rs748670841, ClinGen allele CA9763748.

ClinVar aggregate classification (germline): Uncertain significance. Review status: criteria provided, multiple submitters, no conflicts (2 of 4 stars). 3 submissions from 3 submitters: Uncertain significance (3). Last evaluated 2025-09-27.

Conditions:
MKKS-related disorder. Also called: MKKS-related condition; MKKS-related disorders.
Inborn genetic diseases. Identifiers: MedGen C0950123, MeSH D030342.
Bardet-Biedl syndrome (BBS). Identifiers: Orphanet 110, MedGen C0752166, MONDO:0015229.
McKusick-Kaufman syndrome (MKKS). Also called: HYDROMETROCOLPOS SYNDROME; HYDROMETROCOLPOS, POSTAXIAL POLYDACTYLY, AND CONGENITAL HEART MALFORMATION. Identifiers: Orphanet 2473, MedGen C0948368, MONDO:0009367, OMIM 236700.

Allele frequency attached by ClinVar (database versions not stated): ExAC 0.00001; TOPMed 0.00001.
gnomAD v4.1: 13 of 1,613,996 alleles (0.00081%); highest among the groups gnomAD compares: Admixed American, 0.018%; no homozygotes.

Submissions (3):

PreventionGenetics, part of Exact Sciences
Classification: Uncertain significance for MKKS-related condition. Last evaluated: 2025-09-27. Review status: criteria provided, single submitter. Criteria: ACMG Guidelines, 2015. Collection method: clinical testing. Allele origin: germline.
Comment: The MKKS c.69G>C variant is predicted to result in the amino acid substitution p.Arg23Ser. To our knowledge, this variant has not been reported in the literature. This variant is reported in 0.029% of alleles in individuals of Latino descent in gnomAD. At this time, the clinical significance of this variant is uncertain due to the absence of conclusive functional and genetic evidence.

Ambry Genetics
Classification: Uncertain significance for Inborn genetic diseases. Last evaluated: 2025-02-19. Review status: criteria provided, single submitter. Criteria: Ambry Variant Classification Scheme 2023. Collection method: clinical testing. Allele origin: germline.

Labcorp Genetics (formerly Invitae), Labcorp
Classification: Uncertain significance for McKusick-Kaufman syndrome; Bardet-Biedl syndrome. Last evaluated: 2022-08-12. Review status: criteria provided, single submitter. Criteria: Invitae Variant Classification Sherloc (09022015). Collection method: clinical testing. Allele origin: germline.
Comment: This sequence change replaces arginine, which is basic and polar, with serine, which is neutral and polar, at codon 23 of the MKKS protein (p.Arg23Ser). This variant is present in population databases (rs748670841, gnomAD 0.03%). This variant has not been reported in the literature in individuals affected with MKKS-related conditions. Algorithms developed to predict the effect of missense changes on protein structure and function output the following: SIFT: "Tolerated"; PolyPhen-2: "Benign"; Align-GVGD: "Class C0". The serine amino acid residue is found in multiple mammalian species, which suggests that this missense change does not adversely affect protein function. In summary, the available evidence is currently insufficient to determine the role of this variant in disease. Therefore, it has been classified as a Variant of Uncertain Significance.